The following is an entry in ClinVar:

NM_000786.4(CYP51A1):c.415C>T (p.Arg139Cys)

Gene: CYP51A1 (cytochrome P450 family 51 subfamily A member 1; minus strand). Cytogenetic location: 7q21.2.
Variant type: single nucleotide variant.
Coding change: c.415C>T on transcript NM_000786.4 (MANE Select); coding-DNA position 415, C replaced by T.
Protein change: p.Arg139Cys; replaces arginine 139 with cysteine.
Molecular consequence: missense variant.
Genome position (GRCh38, 1-based): chr7:92,128,933, G>A on the plus strand (C>T on the coding strand, the complement: CYP51A1 is on the minus strand). VCF-style: chr7-92128933-G-A. GRCh37 (hg19) VCF-style: chr7-91758247-G-A.
Other names: c.100C>T, p.Arg34Cys (NM_001146152.2); short protein forms R34C, R139C.
Identifiers: ClinVar variation 2863343 (VCV002863343.3), dbSNP rs758553106, ClinGen allele CA4338570.

ClinVar aggregate classification (germline): Uncertain significance (1 of 4 stars; one submission).

Allele frequency attached by ClinVar (database versions not stated): gnomAD exomes 0.00006; ExAC 0.00008; gnomAD 0.00008; TOPMed 0.00008.
gnomAD v4.1: 100 of 1,612,350 alleles (0.0062%); highest among the groups gnomAD compares: Non-Finnish European, 0.0075%; no homozygotes.

Submission:

Labcorp Genetics (formerly Invitae), Labcorp
Classification: Uncertain significance. Last evaluated: 2023-03-08. Review status: criteria provided, single submitter. Criteria: Invitae Variant Classification Sherloc (09022015). Collection method: clinical testing. Allele origin: germline.
Comment: This sequence change replaces arginine, which is basic and polar, with cysteine, which is neutral and slightly polar, at codon 139 of the CYP51A1 protein (p.Arg139Cys). This variant is present in population databases (rs758553106, gnomAD 0.01%). This variant has not been reported in the literature in individuals affected with CYP51A1-related conditions. An algorithm developed to predict the effect of missense changes on protein structure and function (PolyPhen-2) suggests that this variant is likely to be disruptive. In summary, the available evidence is currently insufficient to determine the role of this variant in disease. Therefore, it has been classified as a Variant of Uncertain Significance.